The following is an entry in ClinVar:

NM_001290060.2(SEMA3B):c.1686del (p.Ser563fs)

Gene: SEMA3B (semaphorin 3B; plus strand). Cytogenetic location: 3p21.31.
Variant type: Deletion.
Coding change: c.1686del on transcript NM_001290060.2 (MANE Select); coding-DNA position 1686, one base deleted (C; older notation c.1686delC).
Protein change: p.Ser563fs; shifts the reading frame from serine 563.
Molecular consequence: frameshift variant. On other transcripts: non-coding transcript variant (1).
Genome position (GRCh38, 1-based): chr3:50,275,596, C deleted; the last of 4 consecutive C bases (chr3:50,275,593-50,275,596); deleting any one gives the same sequence. VCF-style (leftmost placement, unchanged base first): chr3-50275592-AC-A. GRCh37 (hg19) VCF-style: chr3-50313023-AC-A.
Other names: c.1683del, p.Ser562fs (NM_001005914.3, NM_001435957.1, NM_001435958.1); c.1701del, p.Ser568fs (NM_001290061.1); c.657del, p.Ser220fs (NM_001290062.2, NM_001290063.2); c.1686del, p.Ser563fs (NM_001435956.1, NM_004636.4); c.1701delC (NM_001290061.1); short protein forms S220fs, S563fs, S562fs, S568fs.
Identifiers: ClinVar variation 4993535 (VCV004993535.1).

ClinVar aggregate classification (germline): Uncertain significance (1 of 4 stars; one submission).

Conditions:
SEMA3B-related disorder. Also called: SEMA3B-related condition.

Submission:

PreventionGenetics, part of Exact Sciences
Classification: Uncertain significance for SEMA3B-related condition. Last evaluated: 2026-06-29. Review status: criteria provided, single submitter. Criteria: ACMG Guidelines, 2015. Collection method: clinical testing. Allele origin: germline.
Comment: The SEMA3B c.1701delC variant is predicted to result in a frameshift and premature protein termination (p.Ser568Alafs*48). To our knowledge, this variant has not been reported in the literature or in a large population database (gnomAD), indicating this variant is rare. At this time, the clinical significance of this variant is uncertain due to the absence of conclusive functional and genetic evidence.